The following is an entry in ClinVar:

NM_004629.2(FANCG):c.604G>A (p.Gly202Arg)

Gene: FANCG (FA complementation group G; minus strand). Cytogenetic location: 9p13.3.
Variant type: single nucleotide variant.
Coding change: c.604G>A on transcript NM_004629.2 (MANE Select); coding-DNA position 604, G replaced by A.
Protein change: p.Gly202Arg; replaces glycine 202 with arginine.
Molecular consequence: missense variant.
Genome position (GRCh38, 1-based): chr9:35,077,306, C>T on the plus strand (G>A on the coding strand, the complement: FANCG is on the minus strand). VCF-style: chr9-35077306-C-T. GRCh37 (hg19) VCF-style: chr9-35077303-C-T.
Other names: short protein forms G202R.
Identifiers: ClinVar variation 4691054 (VCV004691054.1).

ClinVar aggregate classification (germline): Uncertain significance (1 of 4 stars; one submission).

Conditions:
Fanconi anemia (FA). Also called: Fanconi's anemia. Identifiers: Orphanet 84, MedGen C0015625, MeSH D005199, MONDO:0019391.

Submission:

Labcorp Genetics (formerly Invitae), Labcorp
Classification: Uncertain significance for Fanconi anemia. Last evaluated: 2025-11-16. Review status: criteria provided, single submitter. Criteria: Invitae Variant Classification Sherloc (09022015). Collection method: clinical testing. Allele origin: germline.
Comment: This sequence change replaces glycine, which is neutral and non-polar, with arginine, which is basic and polar, at codon 202 of the FANCG protein (p.Gly202Arg). This variant is not present in population databases (gnomAD no frequency). This variant has not been reported in the literature in individuals affected with FANCG-related conditions. Invitae Evidence Modeling of protein sequence and biophysical properties (such as structural, functional, and spatial information, amino acid conservation, physicochemical variation, residue mobility, and thermodynamic stability) indicates that this missense variant is not expected to disrupt FANCG protein function with a negative predictive value of 80%. In summary, the available evidence is currently insufficient to determine the role of this variant in disease. Therefore, it has been classified as a Variant of Uncertain Significance.